The following is an entry in ClinVar:

ClinVar aggregate classification (germline): Uncertain significance (1 of 4 stars; one submission).

Conditions:
PKHD1-related disorder. Also called: PKHD1-related condition.

gnomAD v4.1: 20 of 1,613,676 alleles (0.0012%); highest among the groups gnomAD compares: Non-Finnish European, 0.0016%; no homozygotes.

Submission:

PreventionGenetics, part of Exact Sciences
Classification: Uncertain significance for PKHD1-related condition. Last evaluated: 2026-05-08. Review status: criteria provided, single submitter. Criteria: ACMG Guidelines, 2015. Collection method: clinical testing. Allele origin: germline.
Comment: The PKHD1 c.10756A>G variant is predicted to result in the amino acid substitution p.Asn3586Asp. To our knowledge, this variant has not been reported in the literature. This variant is reported in 0.0039% of alleles in individuals of European (Non-Finnish) descent in gnomAD. At this time, the clinical significance of this variant is uncertain due to the absence of conclusive functional and genetic evidence.

NM_138694.4(PKHD1):c.10756A>G (p.Asn3586Asp)

Gene: PKHD1 (PKHD1 ciliary IPT domain containing fibrocystin/polyductin; minus strand). Cytogenetic location: 6p12.3.
Variant type: single nucleotide variant.
Coding change: c.10756A>G on transcript NM_138694.4 (MANE Select); coding-DNA position 10756, A replaced by G.
Protein change: p.Asn3586Asp; replaces asparagine 3586 with aspartic acid.
Molecular consequence: missense variant.
Genome position (GRCh38, 1-based): chr6:51,659,370, T>C on the plus strand (A>G on the coding strand, the complement: PKHD1 is on the minus strand). VCF-style: chr6-51659370-T-C. GRCh37 (hg19) VCF-style: chr6-51524168-T-C.
Other names: short protein forms N3586D.
Identifiers: ClinVar variation 4984749 (VCV004984749.1).